The following is an entry in ClinVar:

ClinVar aggregate classification (germline): Uncertain significance (1 of 4 stars; one submission).

Submission:

Ambry Genetics
Classification: Uncertain significance. Last evaluated: 2025-08-01. Review status: criteria provided, single submitter. Criteria: Ambry Variant Classification Scheme 2023. Collection method: clinical testing. Allele origin: germline.
Comment: The p.S71C variant (also known as c.212C>G), located in coding exon 2 of the GFI1 gene, results from a C to G substitution at nucleotide position 212. The serine at codon 71 is replaced by cysteine, an amino acid with dissimilar properties. This amino acid position is conserved. In addition, this alteration is predicted to be tolerated by in silico analysis. Based on the available evidence, the clinical significance of this variant remains unclear.

NM_005263.5(GFI1):c.212C>G (p.Ser71Cys)

Gene: GFI1 (growth factor independent 1 transcriptional repressor; minus strand). Cytogenetic location: 1p22.1.
Variant type: single nucleotide variant.
Coding change: c.212C>G on transcript NM_005263.5 (MANE Select); coding-DNA position 212, C replaced by G.
Protein change: p.Ser71Cys; replaces serine 71 with cysteine.
Molecular consequence: missense variant.
Genome position (GRCh38, 1-based): chr1:92,482,950, G>C on the plus strand (C>G on the coding strand, the complement: GFI1 is on the minus strand). VCF-style: chr1-92482950-G-C. GRCh37 (hg19) VCF-style: chr1-92948507-G-C.
Other names: c.212C>G, p.Ser71Cys (NM_001127215.3, NM_001127216.3); short protein forms S71C.
Identifiers: ClinVar variation 4263224 (VCV004263224.1).